The following is an entry in ClinVar:

NM_001042750.2(STAG2):c.2559T>C (p.Ser853=)

Gene: STAG2 (STAG2 cohesin complex component; plus strand). Cytogenetic location: Xq25.
Variant type: single nucleotide variant.
Coding change: c.2559T>C on transcript NM_001042750.2 (MANE Select); coding-DNA position 2559, T replaced by C.
Protein change: p.Ser853=; no amino-acid change (serine 853 retained).
Molecular consequence: synonymous variant.
Genome position (GRCh38, 1-based): chrX:124,076,357, T>C. VCF-style: chrX-124076357-T-C. GRCh37 (hg19) VCF-style: chrX-123210207-T-C.
Other names: c.2559T>C, p.Ser853= (NM_001042749.2, NM_001042751.2, NM_001282418.2 and 13 more transcripts).
Identifiers: ClinVar variation 1586884 (VCV001586884.33), dbSNP rs752791141, ClinGen allele CA10509026.

ClinVar aggregate classification (germline): Benign/Likely benign. Review status: criteria provided, multiple submitters, no conflicts (2 of 4 stars). 3 submissions from 3 submitters: Benign (1); Likely benign (2). Last evaluated 2024-02-26.

Allele frequency attached by ClinVar (database versions not stated): ExAC 0.00001; gnomAD exomes 0.00002; TOPMed 0.00002; gnomAD 0.00004.
gnomAD v4.1: 21 of 1,208,422 alleles (0.0017%); highest among the groups gnomAD compares: Non-Finnish European, 0.0022%; 1 homozygote.

Submissions (3):

Labcorp Genetics (formerly Invitae), Labcorp
Classification: Benign. Last evaluated: 2024-02-26. Review status: criteria provided, single submitter. Criteria: Invitae Variant Classification Sherloc (09022015). Collection method: clinical testing. Allele origin: germline.

CeGaT Center for Human Genetics Tuebingen
Classification: Likely benign. Last evaluated: 2023-04-01. Review status: criteria provided, single submitter. Criteria: CeGaT Center For Human Genetics Tuebingen Variant Classification Criteria Version 2. Collection method: clinical testing. Allele origin: germline. Affected: yes. Observed: 1 variant allele.
Comment: STAG2: BP4, BP7

Blueprint Genetics
Classification: Likely benign. Last evaluated: 2022-07-06. Review status: criteria provided, single submitter. Criteria: ACMG Guidelines, 2015. Collection method: clinical testing. Allele origin: germline.